The following is an entry in ClinVar:

NM_001039141.3(TRIOBP):c.2084A>G (p.Asn695Ser)

Gene: TRIOBP (TRIO and F-actin binding protein; plus strand). Cytogenetic location: 22q13.1.
Variant type: single nucleotide variant.
Coding change: c.2084A>G on transcript NM_001039141.3 (MANE Select); coding-DNA position 2084, A replaced by G.
Protein change: p.Asn695Ser; replaces asparagine 695 with serine.
Molecular consequence: missense variant.
Genome position (GRCh38, 1-based): chr22:37,724,640, A>G. VCF-style: chr22-37724640-A-G. GRCh37 (hg19) VCF-style: chr22-38120647-A-G.
Other names: short protein forms N695S.
Identifiers: ClinVar variation 2056037 (VCV002056037.1), dbSNP rs759074306, ClinGen allele CA10223784.

ClinVar aggregate classification (germline): Uncertain significance (1 of 4 stars; one submission).

Allele frequency attached by ClinVar (database versions not stated): ExAC 0.00004; gnomAD 0.00006.

Submission:

Labcorp Genetics (formerly Invitae), Labcorp
Classification: Uncertain significance. Last evaluated: 2022-03-12. Review status: criteria provided, single submitter. Criteria: Invitae Variant Classification Sherloc (09022015). Collection method: clinical testing. Allele origin: germline.
Comment: This sequence change replaces asparagine, which is neutral and polar, with serine, which is neutral and polar, at codon 695 of the TRIOBP protein (p.Asn695Ser). This variant is present in population databases (rs759074306, gnomAD 0.01%), including at least one homozygous and/or hemizygous individual. This variant has not been reported in the literature in individuals affected with TRIOBP-related conditions. Algorithms developed to predict the effect of missense changes on protein structure and function output the following: SIFT: "Deleterious"; PolyPhen-2: "Benign"; Align-GVGD: "Class C0". The serine amino acid residue is found in multiple mammalian species, which suggests that this missense change does not adversely affect protein function. In summary, the available evidence is currently insufficient to determine the role of this variant in disease. Therefore, it has been classified as a Variant of Uncertain Significance.